The following is an entry in ClinVar:

NM_000186.4(CFH):c.67G>A (p.Glu23Lys)

Gene: CFH (complement factor H; plus strand). Cytogenetic location: 1q31.3.
Variant type: single nucleotide variant.
Coding change: c.67G>A on transcript NM_000186.4 (MANE Select); coding-DNA position 67, G replaced by A.
Protein change: p.Glu23Lys; replaces glutamic acid 23 with lysine.
Molecular consequence: missense variant.
Genome position (GRCh38, 1-based): chr1:196,672,986, G>A. VCF-style: chr1-196672986-G-A. GRCh37 (hg19) VCF-style: chr1-196642116-G-A.
Other names: c.67G>A, p.Glu23Lys (NM_001014975.3); short protein forms E23K.
Identifiers: ClinVar variation 1980556 (VCV001980556.5), dbSNP rs754932801, ClinGen allele CA35834387.

ClinVar aggregate classification (germline): Uncertain significance. Review status: criteria provided, single submitter (1 of 4 stars). 2 submissions from 2 submitters: Uncertain significance (1). 1 of the submissions does not count toward it. Last evaluated 2026-01-14.

Conditions:
Retinal dystrophy. Also called: Inherited retinal dystrophy. Identifiers: Orphanet 71862, MedGen C0854723, MeSH D058499, MONDO:0019118, HP:0000556.

Allele frequency attached by ClinVar (database versions not stated): gnomAD 0.00001; gnomAD exomes 0.00001; TOPMed 0.00002.
gnomAD v4.1: 9 of 1,613,722 alleles (0.00056%); highest among the groups gnomAD compares: African/African-American, 0.0053%; no homozygotes.

Submissions (2):

Labcorp Genetics (formerly Invitae), Labcorp
Classification: Uncertain significance. Last evaluated: 2026-01-14. Review status: criteria provided, single submitter. Criteria: Invitae Variant Classification Sherloc (09022015). Collection method: clinical testing. Allele origin: germline.
Comment: This sequence change replaces glutamic acid, which is acidic and polar, with lysine, which is basic and polar, at codon 23 of the CFH protein (p.Glu23Lys). This variant is present in population databases (rs754932801, gnomAD 0.007%). This variant has not been reported in the literature in individuals affected with CFH-related conditions. ClinVar contains an entry for this variant (Variation ID: 1980556). An algorithm developed to predict the effect of missense changes on protein structure and function (PolyPhen-2) suggests that this variant is likely to be tolerated. In summary, the available evidence is currently insufficient to determine the role of this variant in disease. Therefore, it has been classified as a Variant of Uncertain Significance.

Institute of Human Genetics, Univ. Regensburg, Univ. Regensburg
Classification: Uncertain significance for Retinal dystrophy. Last evaluated: 2022-01-01. Review status: no assertion criteria provided. Criteria: ACMG Guidelines, 2015. Collection method: clinical testing. Allele origin: germline. Affected: yes. Not counted in ClinVar's aggregate classification.